The following is an entry in ClinVar:

NM_001243133.2(NLRP3):c.2065G>A (p.Glu689Lys)

Gene: NLRP3 (NLR family pyrin domain containing 3; plus strand). Cytogenetic location: 1q44.
Variant type: single nucleotide variant.
Coding change: c.2065G>A on transcript NM_001243133.2 (MANE Select); coding-DNA position 2065, G replaced by A.
Protein change: p.Glu689Lys; replaces glutamic acid 689 with lysine.
Molecular consequence: missense variant.
Genome position (GRCh38, 1-based): chr1:247,425,514, G>A. VCF-style: chr1-247425514-G-A. GRCh37 (hg19) VCF-style: chr1-247588816-G-A.
Other names: c.2065G>A, p.Glu689Lys (NM_001079821.3, NM_001127461.3, NM_001127462.3 and 1 more transcripts); c.2071G>A, p.Glu691Lys (NM_004895.5); short protein forms E689K, E691K.
Identifiers: ClinVar variation 3368256 (VCV003368256.1).
Genomic context (GRCh38, chr1:247,425,514, plus strand): 5'-GAGAACTGTCATCGGGTGGAGTCACTGTCCCTGGGGTTTCTCCATAACATGCCCAAGGAG[G>A]AAGAGGAGGAGGAAAAGGAAGGCCGACACCTTGATATGGTGCAGTGTGTCCTCCCAAGCT-3'
Protein context (NP_001230062.1, residues 679-699): LGFLHNMPKE[Glu689Lys]EEEEKEGRHL

ClinVar aggregate classification (germline): Uncertain significance (1 of 4 stars; one submission).

Submission:

GeneDx
Classification: Uncertain significance. Last evaluated: 2024-01-25. Review status: criteria provided, single submitter. Criteria: GeneDx Variant Classification Process June 2021. Collection method: clinical testing. Allele origin: germline. Affected: yes.
Comment: Not observed at significant frequency in large population cohorts (gnomAD); In silico analysis supports that this missense variant does not alter protein structure/function; Has not been previously published as pathogenic or benign to our knowledge; Also known as E689K